The following is an entry in ClinVar:

ClinVar aggregate classification (germline): Benign. Review status: criteria provided, multiple submitters, no conflicts (2 of 4 stars). 4 submissions from 4 submitters: Benign (4). Last evaluated 2026-02-01.

Allele frequency attached by ClinVar (database versions not stated): gnomAD exomes 0.00029; ExAC 0.00032; 1000 Genomes Project 30x 0.00094; 1000 Genomes Project 0.00100; ESP Exome Variant Server 0.00134; TOPMed 0.00136.
gnomAD v4.1: 339 of 1,613,372 alleles (0.021%); highest among the groups gnomAD compares: African/African-American, 0.4%; 1 homozygote.

Submissions (4):

Labcorp Genetics (formerly Invitae), Labcorp
Classification: Benign. Last evaluated: 2026-02-01. Review status: criteria provided, single submitter. Criteria: Invitae Variant Classification Sherloc (09022015). Collection method: clinical testing. Allele origin: germline.

GeneDx
Classification: Benign. Last evaluated: 2021-11-23. Review status: criteria provided, single submitter. Criteria: GeneDx Variant Classification Process June 2021. Collection method: clinical testing. Allele origin: germline. Affected: yes.

Women's Health and Genetics/Laboratory Corporation of America, LabCorp
Classification: Benign. Last evaluated: 2020-02-14. Review status: criteria provided, single submitter. Criteria: LabCorp Variant Classification Summary - May 2015. Collection method: clinical testing. Allele origin: germline.
Comment: Variant summary: A2ML1 c.3502+11C>T alters a non-conserved nucleotide located close to a canonical splice site and therefore could affect mRNA splicing, leading to a significantly altered protein sequence. 4/4 computational tools predict no significant impact on normal splicing. However, these predictions have yet to be confirmed by functional studies. The variant allele was found at a frequency of 0.00029 in 248214 control chromosomes, predominantly at a frequency of 0.0041 within the African or African-American subpopulation in the gnomAD database. The observed variant frequency within African or African-American control individuals in the gnomAD database is approximately 1025 -fold the estimated maximal expected allele frequency for a pathogenic variant in A2ML1 causing Noonan Syndrome phenotype (4e-06), strongly suggesting that the variant is a benign polymorphism found primarily in populations of African or African-American origin. To our knowledge, no occurrence of c.3502+11C>T in individuals affected with Noonan Syndrome and no experimental evidence demonstrating its impact on protein function have been reported. No clinical diagnostic laboratories have submitted clinical-significance assessments for this variant to ClinVar after 2014. Based on the evidence outlined above, the variant was classified as benign.

Breakthrough Genomics
Classification: Benign. Review status: criteria provided, single submitter. Criteria: ACMG Guidelines, 2015. Collection method: not provided. Allele origin: germline. Inheritance: Autosomal dominant inheritance. Affected: yes.

NM_144670.6(A2ML1):c.3502+11C>T

Gene: A2ML1 (alpha-2-macroglobulin like 1; plus strand). Cytogenetic location: 12p13.31.
Variant type: single nucleotide variant.
Coding change: c.3502+11C>T on transcript NM_144670.6 (MANE Select); 11 bases into the intron after coding-DNA position 3502, C replaced by T.
Molecular consequence: intron variant.
Genome position (GRCh38, 1-based): chr12:8,861,308, C>T. VCF-style: chr12-8861308-C-T. GRCh37 (hg19) VCF-style: chr12-9013904-C-T.
Other names: c.2029+11C>T (NM_001282424.3).
Identifiers: ClinVar variation 917708 (VCV000917708.11), dbSNP rs138636296, ClinGen allele CA6436394.
Genomic context (GRCh38, chr12:8,861,308, plus strand): 5'-CATCAGAAACATTCTCCTTAAACAGTTAGATCAACAGGCTATCATCTCAGGTATGTTGGT[C>T]CTGTTGAGAGTTCTTTGAAATTGTGAACATAAGCTGTGAGTTATCTATAATCTCCCTAGT-3'